The following is an entry in ClinVar:

ClinVar aggregate classification (germline): Conflicting classifications of pathogenicity. Review status: criteria provided, conflicting classifications (1 of 4 stars). 2 submissions from 2 submitters: Uncertain significance (1); Likely benign (1). Last evaluated 2026-08-11.

Conditions:
Cardiovascular phenotype. Identifiers: MedGen CN230736.
Hereditary cancer-predisposing syndrome. Also called: Hereditary Cancer Syndrome; Tumor predisposition; Neoplastic Syndromes, Hereditary; Hereditary neoplastic syndrome. Identifiers: Orphanet 140162, MedGen C0027672, MeSH D009386, MONDO:0015356.
Neurofibromatosis, type 1 (NF1). Also called: NEUROFIBROMATOSIS, TYPE I, SOMATIC; Peripheral type neurofibromatosis; VON RECKLINGHAUSEN DISEASE; Neurofibromatosis, type I. Identifiers: Orphanet 636, MedGen C0027831, MONDO:0018975, OMIM 162200. Disease mechanism: loss of function.

Allele frequency attached by ClinVar (database versions not stated): gnomAD exomes 0.00001 and below 0.00001; gnomAD 0.00001.
gnomAD v4.1: 5 of 1,598,242 alleles (0.00031%); highest among the groups gnomAD compares: Admixed American, 0.0068%; no homozygotes.

Submissions (2):

Ambry Genetics
Classification: Uncertain significance for Cardiovascular phenotype; Hereditary cancer-predisposing syndrome. Last evaluated: 2026-08-11. Review status: criteria provided, single submitter. Criteria: Ambry Variant Classification Scheme 2023. Collection method: clinical testing. Allele origin: germline.
Comment: The p.I1428T variant (also known as c.4283T>C), located in coding exon 32 of the NF1 gene, results from a T to C substitution at nucleotide position 4283. The isoleucine at codon 1428 is replaced by threonine, an amino acid with similar properties. This amino acid position is highly conserved in available vertebrate species. In addition, this alteration is predicted to be deleterious by in silico analysis. Based on the available evidence, the clinical significance of this variant remains unclear.

Labcorp Genetics (formerly Invitae), Labcorp
Classification: Likely benign for Neurofibromatosis, type 1. Last evaluated: 2025-09-15. Review status: criteria provided, single submitter. Criteria: Invitae Variant Classification Sherloc (09022015). Collection method: clinical testing. Allele origin: germline.

NM_001042492.3(NF1):c.4346T>C (p.Ile1449Thr)

Gene: NF1 (neurofibromin 1; plus strand). Cytogenetic location: 17q11.2.
Variant type: single nucleotide variant.
Coding change: c.4346T>C on transcript NM_001042492.3 (MANE Select); coding-DNA position 4346, T replaced by C.
Protein change: p.Ile1449Thr; replaces isoleucine 1449 with threonine.
Molecular consequence: missense variant.
Genome position (GRCh38, 1-based): chr17:31,259,045, T>C. VCF-style: chr17-31259045-T-C. GRCh37 (hg19) VCF-style: chr17-29586063-T-C.
Other names: c.4283T>C, p.Ile1428Thr (NM_000267.4); short protein forms I1428T, I1449T.
Identifiers: ClinVar variation 1508834 (VCV001508834.10), dbSNP rs1410459904, ClinGen allele CA398998723.